The following is an entry in ClinVar:

NM_006269.2(RP1):c.2077A>T (p.Lys693Ter)

Gene: RP1 (RP1 axonemal microtubule associated; plus strand). Cytogenetic location: 8q12.1.
Variant type: single nucleotide variant.
Coding change: c.2077A>T on transcript NM_006269.2 (MANE Select); coding-DNA position 2077, A replaced by T.
Protein change: p.Lys693Ter; replaces lysine 693 with a stop codon.
Molecular consequence: nonsense. On other transcripts: intron variant (1).
Genome position (GRCh38, 1-based): chr8:54,625,959, A>T. VCF-style: chr8-54625959-A-T. GRCh37 (hg19) VCF-style: chr8-55538519-A-T.
Other names: c.787+3671A>T (NM_001375654.1); short protein forms K693*.
Identifiers: ClinVar variation 1948814 (VCV001948814.6), dbSNP rs1806032708, ClinGen allele CA370992675.

ClinVar aggregate classification (germline): Pathogenic/Likely pathogenic. Review status: criteria provided, multiple submitters, no conflicts (2 of 4 stars). 2 submissions from 2 submitters: Pathogenic (1); Likely pathogenic (1). Last evaluated 2023-06-22.

Conditions:
RP1-related disorder. Also called: RP1-related condition.

Submissions (2):

Blueprint Genetics
Classification: Likely pathogenic for RP1-related disorders. Last evaluated: 2023-06-22. Review status: criteria provided, single submitter. Criteria: ACMG Guidelines, 2015. Collection method: clinical testing. Allele origin: germline. Affected: yes. Observed: 1 variant allele.

Labcorp Genetics (formerly Invitae), Labcorp
Classification: Pathogenic. Last evaluated: 2022-03-18. Review status: criteria provided, single submitter. Criteria: Invitae Variant Classification Sherloc (09022015). Collection method: clinical testing. Allele origin: germline.
Comment: This sequence change creates a premature translational stop signal (p.Lys693*) in the RP1 gene. While this is not anticipated to result in nonsense mediated decay, it is expected to disrupt the last 1464 amino acid(s) of the RP1 protein. This variant is not present in population databases (gnomAD no frequency). This variant has not been reported in the literature in individuals affected with RP1-related conditions. This variant disrupts the C-terminus of the RP1 protein. Many variants that disrupt this region have been reported in individuals with either autosomal dominant or autosomal recessive retinitis pigmentosa (PMID: 11527933, 19933189, 29425069, 30027431, 33681214). Therefore, variants that disrupt this region are expected to be disease-causing. For these reasons, this variant has been classified as Pathogenic.

Literature cited by the submitters: PubMed 11527933 (cited by Labcorp Genetics (formerly Invitae), Labcorp); PubMed 19933189 (cited by Labcorp Genetics (formerly Invitae), Labcorp); PubMed 29425069 (cited by Labcorp Genetics (formerly Invitae), Labcorp); PubMed 30027431 (cited by Labcorp Genetics (formerly Invitae), Labcorp); PubMed 33681214 (cited by Labcorp Genetics (formerly Invitae), Labcorp).